The following is an entry in ClinVar:

NM_000257.4(MYH7):c.341T>C (p.Ile114Thr)

Gene: MYH7 (myosin heavy chain 7; minus strand). Cytogenetic location: 14q11.2.
Variant type: single nucleotide variant.
Coding change: c.341T>C on transcript NM_000257.4 (MANE Select); coding-DNA position 341, T replaced by C.
Protein change: p.Ile114Thr; replaces isoleucine 114 with threonine.
Molecular consequence: missense variant.
Genome position (GRCh38, 1-based): chr14:23,433,088, A>G on the plus strand (T>C on the coding strand, the complement: MYH7 is on the minus strand). VCF-style: chr14-23433088-A-G. GRCh37 (hg19) VCF-style: chr14-23902297-A-G.
Other names: p.I114T:ATC>ACC; NM_000257.4(MYH7):c.341T>C; c.341T>C (LRG_384t1); short protein forms I114T.
Identifiers: ClinVar variation 181300 (VCV000181300.23), dbSNP rs730880833, ClinGen allele CA013685.

ClinVar aggregate classification (germline): Uncertain significance. Review status: reviewed by expert panel (3 of 4 stars). 7 submissions from 7 submitters: Uncertain significance (1). 6 of the submissions do not count toward it. Last evaluated 2021-03-31.

Conditions:
Hypertrophic cardiomyopathy 1 (CMH1). Also called: Familial hypertrophic cardiomyopathy 1; MYH7-Related Familial Hypertrophic Cardiomyopathy. Identifiers: MedGen C3495498, MONDO:0008647, OMIM 192600.
Myopathy, myosin storage, autosomal recessive (CMYO7B). Also called: CONGENITAL MYOPATHY 7B, MYOSIN STORAGE, AUTOSOMAL RECESSIVE. Identifiers: Orphanet 636970, MedGen C1850709, MONDO:0009708, OMIM 255160.
Myosin storage myopathy (CMYO7A). Also called: MYOPATHY WITH LYSIS OF TYPE I MYOFIBRILS; MYH7-related late-onset scapuloperoneal muscular dystrophy; Congenital myopathy 7A, myosin storage, autosomal dominant; MYOPATHY, HYALINE BODY, AUTOSOMAL DOMINANT; Scapuloperoneal myopathy, MYH7-related; SCAPULOPERONEAL MUSCULAR DYSTROPHY. Identifiers: Orphanet 437572, Orphanet 636965, MedGen C1842160, MONDO:0008409, OMIM 608358.
Dilated cardiomyopathy 1S (CMD1S). Identifiers: Orphanet 154, Orphanet 54260, MedGen C1834481, MONDO:0013262, OMIM 613426.
Congenital myopathy with fiber type disproportion. Also called: Congenital fiber-type disproportion; Congenital fiber-type disproportion myopathy. Identifiers: Orphanet 2020, MedGen C0546264, MONDO:0009711. Inheritance: all.
MYH7-related skeletal myopathy. Also called: Myopathy, distal, 1; Laing early-onset distal myopathy; MYOPATHY, DISTAL, EARLY-ONSET, AUTOSOMAL DOMINANT; MYOPATHY, LATE DISTAL HEREDITARY; Laing distal myopathy. Identifiers: Orphanet 59135, MedGen C4552004, MONDO:0008050, OMIM 160500.
Cardiovascular phenotype. Identifiers: MedGen CN230736.
Cardiomyopathy (CMYO). Also called: Cardiomyopathies. Identifiers: Orphanet 167848, MedGen C0878544, MONDO:0004994, HP:0001638. Inheritance: Various modes of inheritance.
Hypertrophic cardiomyopathy. Also called: HYPERTROPHIC MYOCARDIOPATHY. Identifiers: Orphanet 217569, MedGen C0007194, MeSH D002312, MONDO:0005045, HP:0001639.

Allele frequency attached by ClinVar (database versions not stated): gnomAD exomes below 0.00001; ExAC 0.00001.

Submissions (7):

ClinGen Cardiomyopathy Variant Curation Expert Panel
Classification: Uncertain significance for Hypertrophic cardiomyopathy. Last evaluated: 2021-03-31. Review status: reviewed by expert panel. Criteria: ClinGen CMP ACMG Specifications v1. Collection method: curation. Allele origin: germline. Inheritance: Autosomal dominant inheritance.
Comment: The NM_000257.4(MYH7):c.341T>C (p.Ile114Thr) variant has been identified in 4 individuals with HCM (PS4_Supporting; Restrepo-Cordoba 2017 PMID:28138913; GeneDx pers. comm.; Invitae pers. comm.). This variant has also been identified in 1 individual with DCM who also carried a truncating variant in TTN and an individual with heart disease and sensory disfunction (Ambry pers. comm.; LMM pers. comm.). This variant was identified in 0.0009% (1/113612) of European chromosomes by gnomAD v2.1.1 (PM2). Computational prediction tools and conservation analysis suggest that this variant may impact the protein (PP3). In summary, due to insufficient evidence, this variant is classified as uncertain significance for hypertrophic cardiomyopathy in an autosomal dominant manner. MYH7-specific ACMG/AMP criteria applied (Kelly 2018 PMID:29300372): PS4_Supporting, PM2, PP3.

Labcorp Genetics (formerly Invitae), Labcorp
Classification: Uncertain significance for Hypertrophic cardiomyopathy. Last evaluated: 2025-10-10. Review status: criteria provided, single submitter. Criteria: Invitae Variant Classification Sherloc (09022015). Collection method: clinical testing. Allele origin: germline. Not counted in ClinVar's aggregate classification.
Comment: This sequence change replaces isoleucine, which is neutral and non-polar, with threonine, which is neutral and polar, at codon 114 of the MYH7 protein (p.Ile114Thr). This variant is present in population databases (rs730880833, gnomAD 0.0009%). This missense change has been observed in individual(s) with hypertrophic cardiomyopathy (PMID: 28138913). ClinVar contains an entry for this variant (Variation ID: 181300). Invitae Evidence Modeling of protein sequence and biophysical properties (such as structural, functional, and spatial information, amino acid conservation, physicochemical variation, residue mobility, and thermodynamic stability) indicates that this missense variant is expected to disrupt MYH7 protein function with a positive predictive value of 95%. In summary, the available evidence is currently insufficient to determine the role of this variant in disease. Therefore, it has been classified as a Variant of Uncertain Significance.

Ambry Genetics
Classification: Uncertain significance for Cardiovascular phenotype. Last evaluated: 2025-04-11. Review status: criteria provided, single submitter. Criteria: Ambry Variant Classification Scheme 2023. Collection method: clinical testing. Allele origin: germline. Not counted in ClinVar's aggregate classification.
Comment: The p.I114T variant (also known as c.341T>C), located in coding exon 2 of the MYH7 gene, results from a T to C substitution at nucleotide position 341. The isoleucine at codon 114 is replaced by threonine, an amino acid with similar properties. This alteration has been reported in a hypertrophic cardiomyopathy (HCM) cohort (Alejandra Restrepo-Cordoba M et al. J Cardiovasc Transl Res, 2017 Feb;10:35-46). This amino acid position is highly conserved in available vertebrate species. In addition, this alteration is predicted to be deleterious by in silico analysis. Since supporting evidence is limited at this time, the clinical significance of this alteration remains unclear.

Fulgent Genetics
Classification: Uncertain significance for MYH7-related skeletal myopathy; Myosin storage myopathy; Hypertrophic cardiomyopathy 1; Myopathy, myosin storage, autosomal recessive; Congenital myopathy 4A, autosomal dominant; Dilated cardiomyopathy 1S. Last evaluated: 2021-07-20. Review status: criteria provided, single submitter. Criteria: ACMG Guidelines, 2015. Collection method: clinical testing. Allele origin: unknown. Not counted in ClinVar's aggregate classification.

Color Diagnostics, LLC DBA Color Health
Classification: Uncertain significance for Cardiomyopathy. Last evaluated: 2020-08-17. Review status: criteria provided, single submitter. Criteria: ACMG Guidelines, 2015. Collection method: clinical testing. Allele origin: germline. Not counted in ClinVar's aggregate classification.
Comment: This missense variant replaces isoleucine with threonine at codon 114 of the MYH7 protein. Computational prediction suggests that this variant may have deleterious impact on protein structure and function (internally defined REVEL score threshold >= 0.7, PMID: 27666373). To our knowledge, functional studies have not been reported for this variant. This variant has been reported in an individual affected with hypertrophic cardiomyopathy (PMID: 28138913). This variant has been identified in 1/251332 chromosomes in the general population by the Genome Aggregation Database (gnomAD). The available evidence is insufficient to determine the role of this variant in disease conclusively. Therefore, this variant is classified as a Variant of Uncertain Significance.

GeneDx
Classification: Uncertain significance. Last evaluated: 2020-01-31. Review status: criteria provided, single submitter. Criteria: GeneDx Variant Classification Process June 2021. Collection method: clinical testing. Allele origin: germline. Affected: yes. Not counted in ClinVar's aggregate classification.
Comment: Not observed at a significant frequency in large population cohorts (Lek et al., 2016); In silico analysis, which includes protein predictors and evolutionary conservation, supports a deleterious effect; This variant is associated with the following publications: (PMID: 28138913, 21310275)

Laboratory for Molecular Medicine, Mass General Brigham Personalized Medicine
Classification: Uncertain significance. Last evaluated: 2018-03-15. Review status: criteria provided, single submitter. Criteria: LMM Criteria. Collection method: clinical testing. Allele origin: germline. Observed: 1 variant allele. Not counted in ClinVar's aggregate classification.
Comment: Variant classified as Uncertain Significance - Favor Pathogenic. The p.Ile114Thr variant in MYH7 has been reported in 1 individual with HCM (Restrepo-Cordoba 20 17). It has also been identified in 1/111556 European chromosomes by the Genome Aggregation Database (gnomAD; dbSNP rs73088083 3). This variant was predicted to be pathogenic using a computational tool clini cally validated by our laboratory. This tool's pathogenic prediction is estimate d to be correct 94% of the time (Jordan 2011). In summary, while there is some s uspicion for a pathogenic role, the clinical significance of the p.Ile114Thr var iant is uncertain. ACMG/AMP Criteria applied: PM2; PP3.

Literature cited by the submitters: PubMed 28138913 (cited by 3 submitters); PubMed 38691546 (cited by Ambry Genetics).